The following is an entry in ClinVar:

NC_000014.8:g.(?_67147805)_(67243259_?)del

Gene: GPHN (gephyrin; plus strand). Cytogenetic location: 14q23.3.
Variant type: Deletion.
Identifiers: ClinVar variation 1457557 (VCV001457557.6).

ClinVar aggregate classification (germline): Pathogenic (1 of 4 stars; one submission).

Conditions:
Sulfite oxidase deficiency due to molybdenum cofactor deficiency type C. Also called: Molybdenum cofactor deficiency, complementation group C; Molybdenum cofactor deficiency C. Identifiers: Orphanet 308400, Orphanet 833, MedGen C1854990, MONDO:0014212, OMIM 615501.

Submission:

Labcorp Genetics (formerly Invitae), Labcorp
Classification: Pathogenic for Sulfite oxidase deficiency due to molybdenum cofactor deficiency type C. Last evaluated: 2023-02-27. Review status: criteria provided, single submitter. Criteria: Invitae Variant Classification Sherloc (09022015). Collection method: clinical testing. Allele origin: germline.
Comment: For these reasons, this variant has been classified as Pathogenic. A similar copy number variant has been observed in individual(s) with a GPHN-related conditions (PMID: 24561070). This variant is a gross deletion of the genomic region encompassing exon(s) 2-3 of the GPHN gene. This deletion is out-of-frame, and is expected to create a premature termination codon and result in an absent or disrupted protein product. Loss-of-function variants in GPHN are known to be pathogenic (PMID: 11095995, 23184456, 23393157).

Literature cited by the submitters: PubMed 24561070; PubMed 11095995; PubMed 23184456; PubMed 23393157.